The following is an entry in ClinVar:

ClinVar aggregate classification (germline): Uncertain significance. Review status: criteria provided, multiple submitters, no conflicts (2 of 4 stars). 2 submissions from 2 submitters: Uncertain significance (2). Last evaluated 2025-09-25.

Conditions:
Inborn genetic diseases. Identifiers: MedGen C0950123, MeSH D030342.

Allele frequency attached by ClinVar (database versions not stated): gnomAD exomes 0.00001 and 0.00002; gnomAD 0.00001; TOPMed below 0.00001.
gnomAD v4.1: 20 of 1,613,648 alleles (0.0012%); highest among the groups gnomAD compares: Middle Eastern, 0.016%; no homozygotes.

Submissions (2):

Ambry Genetics
Classification: Uncertain significance for Inborn genetic diseases. Last evaluated: 2025-09-25. Review status: criteria provided, single submitter. Criteria: Ambry Variant Classification Scheme 2023. Collection method: clinical testing. Allele origin: germline.

Labcorp Genetics (formerly Invitae), Labcorp
Classification: Uncertain significance. Last evaluated: 2023-07-17. Review status: criteria provided, single submitter. Criteria: Invitae Variant Classification Sherloc (09022015). Collection method: clinical testing. Allele origin: germline.
Comment: This sequence change replaces arginine, which is basic and polar, with glutamine, which is neutral and polar, at codon 2178 of the MYO18B protein (p.Arg2178Gln). This variant is present in population databases (no rsID available, gnomAD 0.003%). This variant has not been reported in the literature in individuals affected with MYO18B-related conditions. ClinVar contains an entry for this variant (Variation ID: 1380914). Algorithms developed to predict the effect of missense changes on protein structure and function output the following: SIFT: "Not Available"; PolyPhen-2: "Benign"; Align-GVGD: "Not Available". The glutamine amino acid residue is found in multiple mammalian species, which suggests that this missense change does not adversely affect protein function. In summary, the available evidence is currently insufficient to determine the role of this variant in disease. Therefore, it has been classified as a Variant of Uncertain Significance.

NM_032608.7(MYO18B):c.6533G>A (p.Arg2178Gln)

Gene: MYO18B (myosin XVIIIB; plus strand). Cytogenetic location: 22q12.1.
Variant type: single nucleotide variant.
Coding change: c.6533G>A on transcript NM_032608.7 (MANE Select); coding-DNA position 6533, G replaced by A.
Protein change: p.Arg2178Gln; replaces arginine 2178 with glutamine.
Molecular consequence: missense variant.
Genome position (GRCh38, 1-based): chr22:26,026,507, G>A. VCF-style: chr22-26026507-G-A. GRCh37 (hg19) VCF-style: chr22-26422473-G-A.
Other names: c.6536G>A, p.Arg2179Gln (NM_001318245.2); c.6533G>A (NM_032608.5); short protein forms R2179Q, R2178Q.
Identifiers: ClinVar variation 1380914 (VCV001380914.5), dbSNP rs970501193, ClinGen allele CA322814728.